The following is an entry in ClinVar:

ClinVar aggregate classification (germline): Uncertain significance. Review status: criteria provided, multiple submitters, no conflicts (2 of 4 stars). 2 submissions from 2 submitters: Uncertain significance (2). Last evaluated 2023-10-22.

Conditions:
Familial cold autoinflammatory syndrome 2 (FCAS2). Identifiers: Orphanet 247868, MedGen C2673198, MONDO:0012724, OMIM 611762.

Allele frequency attached by ClinVar (database versions not stated): gnomAD exomes below 0.00001; TOPMed 0.00001.

Submissions (2):

Labcorp Genetics (formerly Invitae), Labcorp
Classification: Uncertain significance for Familial cold autoinflammatory syndrome 2. Last evaluated: 2023-10-22. Review status: criteria provided, single submitter. Criteria: Invitae Variant Classification Sherloc (09022015). Collection method: clinical testing. Allele origin: germline.
Comment: This sequence change replaces cysteine, which is neutral and slightly polar, with tryptophan, which is neutral and slightly polar, at codon 873 of the NLRP12 protein (p.Cys873Trp). This variant is not present in population databases (gnomAD no frequency). This variant has not been reported in the literature in individuals affected with NLRP12-related conditions. ClinVar contains an entry for this variant (Variation ID: 1809667). An algorithm developed to predict the effect of missense changes on protein structure and function (PolyPhen-2) suggests that this variant is likely to be disruptive. In summary, the available evidence is currently insufficient to determine the role of this variant in disease. Therefore, it has been classified as a Variant of Uncertain Significance.

Dubai Health Genomic Medicine Center, Dubai Health
Classification: Uncertain significance. Last evaluated: 2022-12-17. Review status: criteria provided, single submitter. Criteria: ACMG Guidelines, 2015. Collection method: clinical testing. Allele origin: germline. Affected: yes.

NM_144687.4(NLRP12):c.2619T>G (p.Cys873Trp)

Gene: NLRP12 (NLR family pyrin domain containing 12; minus strand). Cytogenetic location: 19q13.42.
Variant type: single nucleotide variant.
Coding change: c.2619T>G on transcript NM_144687.4 (MANE Select); coding-DNA position 2619, T replaced by G.
Protein change: p.Cys873Trp; replaces cysteine 873 with tryptophan.
Molecular consequence: missense variant.
Genome position (GRCh38, 1-based): chr19:53,801,364, A>C on the plus strand (T>G on the coding strand, the complement: NLRP12 is on the minus strand). VCF-style: chr19-53801364-A-C. GRCh37 (hg19) VCF-style: chr19-54304618-A-C.
Other names: c.2622T>G, p.Cys874Trp (NM_001277126.2); c.2619T>G, p.Cys873Trp (NM_001277129.1); short protein forms C873W, C874W.
Identifiers: ClinVar variation 1809667 (VCV001809667.5), dbSNP rs1555793610, ClinGen allele CA407408696.